The following is an entry in ClinVar:

NM_024312.5(GNPTAB):c.569A>G (p.Asp190Gly)

Gene: GNPTAB (N-acetylglucosamine-1-phosphate transferase subunits alpha and beta; minus strand). Cytogenetic location: 12q23.2.
Variant type: single nucleotide variant.
Coding change: c.569A>G on transcript NM_024312.5 (MANE Select); coding-DNA position 569, A replaced by G.
Protein change: p.Asp190Gly; replaces aspartic acid 190 with glycine.
Molecular consequence: missense variant.
Genome position (GRCh38, 1-based): chr12:101,786,014, T>C on the plus strand (A>G on the coding strand, the complement: GNPTAB is on the minus strand). VCF-style: chr12-101786014-T-C. GRCh37 (hg19) VCF-style: chr12-102179792-T-C.
Other names: short protein forms D190G.
Identifiers: ClinVar variation 2139783 (VCV002139783.1), dbSNP rs34946266, ClinGen allele CA6746858.
Genomic context (GRCh38, chr12:101,786,014, plus strand): 5'-TTGTTATTCAAACATCCAATGATAACATGATTTTAAAATATCCATAAAAAGATCTTACCA[T>C]CCTTAGTACTGTCAAAAACAACAACTGAGACATTGGTAGAAGGGTTTTTTGGTTTTGCAA-3'
Protein context (NP_077288.2, residues 180-200): VSVVVFDSTK[Asp190Gly]VEDAHSGLLK

ClinVar aggregate classification (germline): Uncertain significance (1 of 4 stars; one submission).

Conditions:
Mucolipidosis type II. Also called: Mucolipidosis 2; ML 2; Inclusion cell disease; Leroy Disease; N-acetylglucosamine 1phosphotransferase deficiency; ML disorder type 2. Identifiers: Orphanet 576, MedGen C2673377, MONDO:0009650, OMIM 252500.
Pseudo-Hurler polydystrophy. Also called: ML IIIA; Mucolipidosis III Alpha/Beta; MUCOLIPIDOSIS IIIA; ML III; ML III ALPHA/BETA; Type III Mucolipidosis. Identifiers: Orphanet 423461, Orphanet 577, MedGen C0033788, MONDO:0018931, OMIM 252600.

Allele frequency attached by ClinVar (database versions not stated): 1000 Genomes Project 30x 0.00016; 1000 Genomes Project 0.00020.
gnomAD v4.1: 8 of 1,604,942 alleles (0.0005%); highest among the groups gnomAD compares: East Asian, 0.0067%; no homozygotes.

Submission:

Labcorp Genetics (formerly Invitae), Labcorp
Classification: Uncertain significance for Pseudo-Hurler polydystrophy; Mucolipidosis type II. Last evaluated: 2022-09-13. Review status: criteria provided, single submitter. Criteria: Invitae Variant Classification Sherloc (09022015). Collection method: clinical testing. Allele origin: germline.
Comment: This sequence change replaces aspartic acid, which is acidic and polar, with glycine, which is neutral and non-polar, at codon 190 of the GNPTAB protein (p.Asp190Gly). This variant is present in population databases (rs34946266, gnomAD 0.02%). This variant has not been reported in the literature in individuals affected with GNPTAB-related conditions. Algorithms developed to predict the effect of missense changes on protein structure and function are either unavailable or do not agree on the potential impact of this missense change (SIFT: "Deleterious"; PolyPhen-2: "Benign"; Align-GVGD: "Class C0"). Algorithms developed to predict the effect of sequence changes on RNA splicing suggest that this variant may disrupt the consensus splice site. In summary, the available evidence is currently insufficient to determine the role of this variant in disease. Therefore, it has been classified as a Variant of Uncertain Significance.